The following is an entry in ClinVar:

NM_007294.4(BRCA1):c.4328dup (p.Asn1444fs)

Gene: BRCA1 (BRCA1 DNA repair associated; minus strand). Cytogenetic location: 17q21.31.
Variant type: Duplication.
Coding change: c.4328dup on transcript NM_007294.4 (MANE Select); coding-DNA position 4328, one base duplicated (G; older notation c.4328dupG).
Protein change: p.Asn1444fs; shifts the reading frame from asparagine 1444.
Molecular consequence: frameshift variant.
Genome position (GRCh38, 1-based): chr17:43,082,433, C duplicated on the plus strand (G on the coding strand, the reverse complement: BRCA1 is on the minus strand). VCF-style (leftmost placement, unchanged base first): chr17-43082432-T-TC. GRCh37 (hg19) VCF-style: chr17-41234449-T-TC.
Other names: c.4118dup, p.Asn1374fs (NM_001407906.1, NM_001407879.1, NM_001407881.1 and 9 more transcripts); c.4115dup, p.Asn1373fs (NM_001407907.1, NM_001407908.1, NM_001407909.1 and 12 more transcripts); c.4322dup, p.Asn1442fs (NM_001407628.1, NM_001407629.1, NM_001407630.1 and 5 more transcripts); c.4325dup, p.Asn1443fs (NM_001407633.1, NM_001407634.1, NM_001407635.1 and 21 more transcripts); c.4316dup, p.Asn1440fs (NM_001407646.1, NM_001407647.1); c.4205dup, p.Asn1403fs (NM_001407667.1, NM_001407668.1, NM_001407669.1 and 13 more transcripts); c.4202dup, p.Asn1402fs (NM_001407670.1, NM_001407671.1, NM_001407672.1 and 12 more transcripts); c.4328dup, p.Asn1444fs (NM_001407684.1, NM_001407854.1, NM_001407858.1 and 23 more transcripts); and 52 more; short protein forms N1316fs, N1332fs, N1275fs, N1317fs, N1333fs, N1355fs, N1376fs, N1396fs.
Identifiers: ClinVar variation 5033167 (VCV005033167.1).
Genomic context (GRCh38, chr17:43,082,432, plus strand): 5'-TAAGATATCAGTGTTTGGCCAACAATACACACCTTTTTCTGATGTGCTTTGTTCTGGATT[T>TC]CGCAGGTCCTCAAGGGCAGAAGAGTCACTTATGATGGAAGGGTAGCTGTTAGAAGGCTGG-3'

ClinVar aggregate classification (germline): Pathogenic (1 of 4 stars; one submission).

Conditions:
Hereditary cancer-predisposing syndrome. Also called: Neoplastic Syndromes, Hereditary; Tumor predisposition; Hereditary neoplastic syndrome; Hereditary Cancer Syndrome. Identifiers: Orphanet 140162, MedGen C0027672, MeSH D009386, MONDO:0015356.

Submission:

Ambry Genetics
Classification: Pathogenic for Hereditary cancer-predisposing syndrome. Last evaluated: 2026-06-26. Review status: criteria provided, single submitter. Criteria: Ambry Variant Classification Scheme 2023. Collection method: clinical testing. Allele origin: germline.
Comment: The c.4328dupG pathogenic mutation, located in coding exon 11 of the BRCA1 gene, results from a duplication of G at nucleotide position 4328, causing a translational frameshift with a predicted alternate stop codon (p.N1444Kfs*18). This variant is considered to be rare based on population cohorts in the Genome Aggregation Database (gnomAD). This alteration is expected to result in loss of function by premature protein truncation or nonsense-mediated mRNA decay. As such, this alteration is interpreted as a disease-causing mutation.